The following is an entry in ClinVar:

NM_001846.4(COL4A2):c.4088C>T (p.Ala1363Val)

Genes: COL4A2 (collagen type IV alpha 2 chain; plus strand), COL4A2-AS1 (COL4A2 antisense RNA 1; minus strand). Cytogenetic location: 13q34.
Variant type: single nucleotide variant.
Coding change: c.4088C>T on transcript NM_001846.4 (MANE Select); coding-DNA position 4088, C replaced by T.
Protein change: p.Ala1363Val; replaces alanine 1363 with valine.
Molecular consequence: missense variant.
Genome position (GRCh38, 1-based): chr13:110,503,431, C>T. VCF-style: chr13-110503431-C-T. GRCh37 (hg19) VCF-style: chr13-111155778-C-T.
Other names: short protein forms A1363V.
Identifiers: ClinVar variation 3257613 (VCV003257613.19).
Genomic context (GRCh38, chr13:110,503,431, plus strand): 5'-TTTGTGTTGCAGGGCCCAGGGGTGAACAAGGCTTCATGGGGAACACTGGACCCACTGGGG[C>T]GGTGGGCGACAGAGGCCCCAAGGGACCCAAGGGAGACCCAGGATTCCCTGGTAAGTGACC-3'
Protein context (NP_001837.2, residues 1353-1373): GFMGNTGPTG[Ala1363Val]VGDRGPKGPK

ClinVar aggregate classification (germline): Uncertain significance. Review status: criteria provided, multiple submitters, no conflicts (2 of 4 stars). 2 submissions from 2 submitters: Uncertain significance (2). Last evaluated 2024-10-30.

gnomAD v4.1: 7 of 1,589,654 alleles (0.00044%); highest among the groups gnomAD compares: African/African-American, 0.0013%; no homozygotes.

Submissions (2):

Labcorp Genetics (formerly Invitae), Labcorp
Classification: Uncertain significance. Last evaluated: 2024-10-30. Review status: criteria provided, single submitter. Criteria: Invitae Variant Classification Sherloc (09022015). Collection method: clinical testing. Allele origin: germline.
Comment: This sequence change replaces alanine, which is neutral and non-polar, with valine, which is neutral and non-polar, at codon 1363 of the COL4A2 protein (p.Ala1363Val). This variant is present in population databases (no rsID available, gnomAD 0.01%). This variant has not been reported in the literature in individuals affected with COL4A2-related conditions. Invitae Evidence Modeling of protein sequence and biophysical properties (such as structural, functional, and spatial information, amino acid conservation, physicochemical variation, residue mobility, and thermodynamic stability) indicates that this missense variant is not expected to disrupt COL4A2 protein function with a negative predictive value of 95%. In summary, the available evidence is currently insufficient to determine the role of this variant in disease. Therefore, it has been classified as a Variant of Uncertain Significance.

CeGaT Center for Human Genetics Tuebingen
Classification: Uncertain significance. Last evaluated: 2024-07-01. Review status: criteria provided, single submitter. Criteria: CeGaT Center For Human Genetics Tuebingen Variant Classification Criteria Version 2. Collection method: clinical testing. Allele origin: germline. Affected: yes. Observed: 1 variant allele.